The following is an entry in ClinVar:

ClinVar aggregate classification (germline): Pathogenic/Likely pathogenic. Review status: criteria provided, multiple submitters, no conflicts (2 of 4 stars). 6 submissions from 6 submitters: Pathogenic (4); Likely pathogenic (2). Last evaluated 2026-05-31.

Conditions:
Usher syndrome. Also called: Usher Syndromes; Usher's syndrome. Identifiers: Orphanet 886, MedGen CN469326, MeSH D052245, MONDO:0019501. Disease mechanism: loss of function.
Usher syndrome type 2A. Also called: RETINAL DISEASE IN USHER SYNDROME TYPE IIA, MODIFIER OF; USHER SYNDROME, TYPE IIA. Identifiers: Orphanet 231178, Orphanet 886, MedGen C1848634, MONDO:0010169, OMIM 276901.
Retinitis pigmentosa 39 (RP39). Identifiers: Orphanet 791, MedGen C3151138, MONDO:0013436, OMIM 613809.

Submissions (6):

Women's Health and Genetics/Laboratory Corporation of America, LabCorp
Classification: Pathogenic for Usher syndrome. Last evaluated: 2026-05-31. Review status: criteria provided, single submitter. Criteria: LabCorp Variant Classification Summary - May 2015. Collection method: clinical testing. Allele origin: germline.
Comment: Variant summary: USH2A c.4669_4672delATTG (p.Ile1557SerfsX17) results in a premature termination codon, predicted to cause a truncation of the encoded protein or absence of the protein due to nonsense mediated decay, which are commonly known mechanisms for disease. The variant allele was found at a frequency of 2e-05 in 251350 control chromosomes. c.4669_4672delATTG has been observed in individual(s) affected with USH2A-related conditions (e.g. Fakin_2021). To our knowledge, no experimental evidence demonstrating an impact on protein function has been reported. The following publication has been ascertained in the context of this evaluation (PMID: 34638692). ClinVar contains an entry for this variant (Variation ID: 955440). Based on the evidence outlined above, the variant was classified as pathogenic.

3billion
Classification: Pathogenic for Usher syndrome type 2A. Last evaluated: 2025-06-18. Review status: criteria provided, single submitter. Criteria: ACMG Guidelines, 2015. Collection method: clinical testing. Allele origin: germline. Affected: yes.
Comment: The variant is observed at an extremely low frequency in the gnomAD v4.1.0 dataset (total allele frequency: <0.001%). Predicted Consequence/Location: Frameshift: predicted to result in a loss or disruption of normal protein function through nonsense-mediated decay (NMD) or protein truncation. Multiple pathogenic variants are reported downstream of the variant. The variant has been reported at least twice as pathogenic with clinical assertions and evidence for the classification (ClinVar ID: VCV000955440). Therefore, this variant is classified as Pathogenic according to the recommendation of ACMG/AMP guideline.

Natera, Inc.
Classification: Likely pathogenic for Usher syndrome type 2A. Last evaluated: 2025-03-07. Review status: criteria provided, single submitter. Criteria: Natera Variant Classification Schema (03/2026). Collection method: clinical testing. Allele origin: germline.
Comment: The c.4669_4672del variant in USH2A is a frameshift variant predicted to shift the reading frame beginning at codon 1557 and leads to a stop codon 17 codons downstream. This variant is expected to result in nonsense mediated decay, truncation, or a dysfunctional protein product. This variant is rare in the general population with a frequency below the threshold expected for the associated phenotype(s). Given the available evidence, this variant is classified as Likely Pathogenic.

Labcorp Genetics (formerly Invitae), Labcorp
Classification: Pathogenic. Last evaluated: 2024-04-11. Review status: criteria provided, single submitter. Criteria: Invitae Variant Classification Sherloc (09022015). Collection method: clinical testing. Allele origin: germline.
Comment: This sequence change creates a premature translational stop signal (p.Ile1557Serfs*17) in the USH2A gene. It is expected to result in an absent or disrupted protein product. Loss-of-function variants in USH2A are known to be pathogenic (PMID: 10729113, 10909849, 20507924, 25649381). This variant is present in population databases (rs747891004, gnomAD 0.01%). This variant has not been reported in the literature in individuals affected with USH2A-related conditions. ClinVar contains an entry for this variant (Variation ID: 955440). For these reasons, this variant has been classified as Pathogenic.

Baylor Genetics
Classification: Pathogenic for Retinitis pigmentosa 39. Last evaluated: 2024-03-23. Review status: criteria provided, single submitter. Criteria: ACMG Guidelines, 2015. Collection method: clinical testing. Allele origin: unknown.

Revvity Omics, Revvity
Classification: Likely pathogenic. Last evaluated: 2023-05-23. Review status: criteria provided, single submitter. Criteria: ACMG Guidelines, 2015. Collection method: clinical testing. Allele origin: germline.

Literature cited by the submitters: PubMed 34638692 (cited by Women's Health and Genetics/Laboratory Corporation of America, LabCorp); PubMed 10729113 (cited by Labcorp Genetics (formerly Invitae), Labcorp); PubMed 10909849 (cited by Labcorp Genetics (formerly Invitae), Labcorp); PubMed 20507924 (cited by Labcorp Genetics (formerly Invitae), Labcorp); PubMed 25649381 (cited by Labcorp Genetics (formerly Invitae), Labcorp).

NM_206933.4(USH2A):c.4669_4672del (p.Ile1557fs)

Gene: USH2A (usherin; minus strand). Cytogenetic location: 1q41.
Variant type: Deletion.
Coding change: c.4669_4672del on transcript NM_206933.4 (MANE Select); coding-DNA positions 4669 to 4672, 4 bases deleted (ATTG; older notation c.4669_4672delATTG).
Protein change: p.Ile1557fs; shifts the reading frame from isoleucine 1557.
Molecular consequence: frameshift variant.
Genome position (GRCh38, 1-based): chr1:216,097,169-216,097,172, CAAT deleted on the plus strand (ATTG on the coding strand, the reverse complement: USH2A is on the minus strand); deleting any 4 consecutive bases within chr1:216,097,169-216,097,175 gives the same sequence; the c. name uses the placement nearest the transcript's 3' end. VCF-style (leftmost placement, unchanged base first): chr1-216097168-ACAAT-A. GRCh37 (hg19) VCF-style: chr1-216270510-ACAAT-A.
Other names: c.4669_4672delATTG (NM_206933.4); short protein forms I1557fs.
Identifiers: ClinVar variation 955440 (VCV000955440.14), dbSNP rs747891004, ClinGen allele CA1395651.